The following is an entry in ClinVar:

NM_004279.3(PMPCB):c.1210C>T (p.Leu404=)

Gene: PMPCB (peptidase, mitochondrial processing subunit beta; plus strand). Cytogenetic location: 7q22.1.
Variant type: single nucleotide variant.
Coding change: c.1210C>T on transcript NM_004279.3 (MANE Select); coding-DNA position 1210, C replaced by T.
Protein change: p.Leu404=; no amino-acid change (leucine 404 retained).
Molecular consequence: synonymous variant.
Genome position (GRCh38, 1-based): chr7:103,311,698, C>T. VCF-style: chr7-103311698-C-T. GRCh37 (hg19) VCF-style: chr7-102952145-C-T.
Identifiers: ClinVar variation 2781366 (VCV002781366.3), dbSNP rs1430831073, ClinGen allele CA457197309.

ClinVar aggregate classification (germline): Uncertain significance (1 of 4 stars; one submission).

Allele frequency attached by ClinVar (database versions not stated): gnomAD exomes below 0.00001; gnomAD 0.00001.

Submission:

Labcorp Genetics (formerly Invitae), Labcorp
Classification: Uncertain significance. Last evaluated: 2023-10-22. Review status: criteria provided, single submitter. Criteria: Invitae Variant Classification Sherloc (09022015). Collection method: clinical testing. Allele origin: germline.
Comment: This sequence change affects codon 404 of the PMPCB mRNA. It is a 'silent' change, meaning that it does not change the encoded amino acid sequence of the PMPCB protein. This variant is present in population databases (no rsID available, gnomAD 0.007%). This variant has not been reported in the literature in individuals affected with PMPCB-related conditions. Algorithms developed to predict the effect of sequence changes on RNA splicing suggest that this variant may disrupt the consensus splice site. In summary, the available evidence is currently insufficient to determine the role of this variant in disease. Therefore, it has been classified as a Variant of Uncertain Significance.